The following continues an entry in ClinVar:

NC_000011.10:g.47347670del

Gene: MYBPC3. ClinVar aggregate classification (germline): Pathogenic/Likely pathogenic. Pathogenic (15); Likely pathogenic (2).

Submissions 13 to 18 of 18:

HudsonAlpha Institute for Biotechnology
Classification: Pathogenic for Hypertrophic cardiomyopathy 4. Last evaluated: 2018-12-10. Review status: criteria provided, single submitter. Criteria: ACMG Guidelines, 2015. Collection method: research. Allele origin: unknown. Observed: 1 variant allele. Study: AGHI_GT.

Human Genome Sequencing Center Clinical Lab, Baylor College of Medicine
Classification: Pathogenic for hypertrophic cardiomyopathy. Last evaluated: 2018-06-18. Review status: criteria provided, single submitter. Criteria: ACMG Guidelines, 2015. Collection method: clinical testing. Allele origin: unknown.
Comment: The c.833del (p.Gly278Glufs*22) variant in the MYBPC3 gene is predicted to introduce a premature translation termination codon. This variant is rare in the general population database, gnomAD (2/181670). This variant has been reported in individuals affected with hypertrophic cardiomyopathy (PMID: 24793961, 27532257). This variant is reported in ClinVar (ID: 164140). Therefore, the c.833del (p.Gly278Glufs*22) variant in the MYBPC3 gene is classified as pathogenic.

Center for Advanced Laboratory Medicine, UC San Diego Health, University of California San Diego
Classification: Pathogenic for Hypertrophic cardiomyopathy. Last evaluated: 2017-03-17. Review status: criteria provided, single submitter. Criteria: ACMG Guidelines, 2015. Collection method: clinical testing. Allele origin: germline. Affected: yes. Observed: 1 variant allele.

Stanford Center for Inherited Cardiovascular Disease, Stanford University
Classification: Likely pathogenic. Last evaluated: 2014-03-03. Review status: criteria provided, single submitter. Criteria: ACMG Guidelines, 2015. Collection method: provider interpretation. Allele origin: germline.

Laboratory for Molecular Medicine, Mass General Brigham Personalized Medicine
Classification: Pathogenic for Hypertrophic cardiomyopathy. Last evaluated: 2013-05-31. Review status: criteria provided, single submitter. Criteria: LMM Criteria. Collection method: clinical testing. Allele origin: germline. Inheritance: Autosomal dominant inheritance. Observed: 1 variant allele.
Comment: The Gly278fs variant in MYBPC3 has not been reported in individuals with cardiom yopathy. Data from large population studies is insufficient to assess the freque ncy of this variant. This frameshift variant is predicted to alter the protein?s amino acid sequence beginning at position 278 and lead to a premature terminati on codon 22 amino acids downstream. This alteration is then predicted to lead to a truncated or absent protein. Truncating variants in MYBPC3 are established as pathogenic for HCM. In summary, this variant meets our criteria to be classifie d as pathogenic based upon the predicted impact of the variant.

Agnes Ginges Centre for Molecular Cardiology, Centenary Institute
Classification: Likely pathogenic for Hypertrophic cardiomyopathy. Last evaluated: 2019-05-28. Review status: no assertion criteria provided. Collection method: research. Allele origin: germline. Inheritance: Autosomal dominant inheritance. Affected: yes. Not counted in ClinVar's aggregate classification.
Comment: For further information please feel free to contact us.

Literature cited by the submitters: PubMed 19574547 (cited by Labcorp Genetics (formerly Invitae), Labcorp); PubMed 24793961 (cited by 4 submitters); PubMed 27532257 (cited by 4 submitters); PubMed 25611685 (cited by Color Diagnostics, LLC DBA Color Health); PubMed 30282064 (cited by Color Diagnostics, LLC DBA Color Health and All of Us Research Program, National Institutes of Health); PubMed 33673806 (cited by Color Diagnostics, LLC DBA Color Health); PubMed 34135346 (cited by Color Diagnostics, LLC DBA Color Health and All of Us Research Program, National Institutes of Health).